The following is an entry in ClinVar:

NM_006440.5(TXNRD2):c.611A>G (p.Tyr204Cys)

Gene: TXNRD2 (thioredoxin reductase 2; minus strand). Cytogenetic location: 22q11.21.
Variant type: single nucleotide variant.
Coding change: c.611A>G on transcript NM_006440.5 (MANE Select); coding-DNA position 611, A replaced by G.
Protein change: p.Tyr204Cys; replaces tyrosine 204 with cysteine.
Molecular consequence: missense variant. On other transcripts: non-coding transcript variant (1).
Genome position (GRCh38, 1-based): chr22:19,911,428, T>C on the plus strand (A>G on the coding strand, the complement: TXNRD2 is on the minus strand). VCF-style: chr22-19911428-T-C. GRCh37 (hg19) VCF-style: chr22-19898951-T-C.
Other names: c.611A>G, p.Tyr204Cys (NM_001282512.3); c.608A>G, p.Tyr203Cys (NM_001352300.2); c.521A>G, p.Tyr174Cys (NM_001352301.2); c.323A>G, p.Tyr108Cys (NM_001352302.2); c.515A>G, p.Tyr172Cys (NM_001352303.2); short protein forms Y204C, Y108C, Y174C, Y203C, Y172C.
Identifiers: ClinVar variation 571531 (VCV000571531.19), dbSNP rs199765650, ClinGen allele CA10104086.

ClinVar aggregate classification (germline): Uncertain significance. Review status: criteria provided, multiple submitters, no conflicts (2 of 4 stars). 4 submissions from 4 submitters: Uncertain significance (4). Last evaluated 2025-11-18.

Conditions:
Primary dilated cardiomyopathy (DCM). Also called: Dilated Cardiomyopathy. Identifiers: Orphanet 217604, MedGen C0007193, MeSH D002311, MONDO:0005021, HP:0001644. Inheritance: Various modes of inheritance.
Cardiovascular phenotype. Identifiers: MedGen CN230736.

Allele frequency attached by ClinVar (database versions not stated): ExAC 0.00006; gnomAD exomes 0.00006 and 0.00026; gnomAD 0.00007; ESP Exome Variant Server 0.00008; TOPMed 0.00008.
gnomAD v4.1: 388 of 1,613,886 alleles (0.024%); highest among the groups gnomAD compares: Non-Finnish European, 0.03%; no homozygotes.

Submissions (4):

Labcorp Genetics (formerly Invitae), Labcorp
Classification: Uncertain significance for Primary dilated cardiomyopathy. Last evaluated: 2025-11-18. Review status: criteria provided, single submitter. Criteria: Invitae Variant Classification Sherloc (09022015). Collection method: clinical testing. Allele origin: germline.
Comment: This sequence change replaces tyrosine, which is neutral and polar, with cysteine, which is neutral and slightly polar, at codon 204 of the TXNRD2 protein (p.Tyr204Cys). This variant is present in population databases (rs199765650, gnomAD 0.02%). This variant has not been reported in the literature in individuals affected with TXNRD2-related conditions. ClinVar contains an entry for this variant (Variation ID: 571531). Invitae Evidence Modeling of protein sequence and biophysical properties (such as structural, functional, and spatial information, amino acid conservation, physicochemical variation, residue mobility, and thermodynamic stability) indicates that this missense variant is not expected to disrupt TXNRD2 protein function with a negative predictive value of 80%. In summary, the available evidence is currently insufficient to determine the role of this variant in disease. Therefore, it has been classified as a Variant of Uncertain Significance.

Ambry Genetics
Classification: Uncertain significance for Cardiovascular phenotype. Last evaluated: 2025-07-02. Review status: criteria provided, single submitter. Criteria: Ambry Variant Classification Scheme 2023. Collection method: clinical testing. Allele origin: germline.
Comment: The p.Y204C variant (also known as c.611A>G), located in coding exon 8 of the TXNRD2 gene, results from an A to G substitution at nucleotide position 611. The tyrosine at codon 204 is replaced by cysteine, an amino acid with highly dissimilar properties. This amino acid position is not well conserved in available vertebrate species. In addition, this alteration is predicted to be tolerated by in silico analysis. The evidence for this gene-disease relationship is limited; therefore, the clinical significance of this alteration is unclear.

GeneDx
Classification: Uncertain significance. Last evaluated: 2024-08-26. Review status: criteria provided, single submitter. Criteria: GeneDx Variant Classification Process June 2021. Collection method: clinical testing. Allele origin: germline. Affected: yes.
Comment: Has not been previously published as pathogenic or benign to our knowledge; In silico analysis supports that this missense variant has a deleterious effect on protein structure/function

Breakthrough Genomics
Classification: Uncertain significance. Review status: criteria provided, single submitter. Criteria: ACMG Guidelines, 2015. Collection method: not provided. Allele origin: germline. Inheritance: Autosomal dominant inheritance. Affected: yes.